The following is an entry in ClinVar:

NM_181882.3(PRX):c.3809G>A (p.Arg1270His)

Gene: PRX (periaxin; minus strand). Cytogenetic location: 19q13.2.
Variant type: single nucleotide variant.
Coding change: c.3809G>A on transcript NM_181882.3 (MANE Select); coding-DNA position 3809, G replaced by A.
Protein change: p.Arg1270His; replaces arginine 1270 with histidine.
Molecular consequence: missense variant. On other transcripts: 3 prime UTR variant (1).
Genome position (GRCh38, 1-based): chr19:40,394,543, C>T on the plus strand (G>A on the coding strand, the complement: PRX is on the minus strand). VCF-style: chr19-40394543-C-T. GRCh37 (hg19) VCF-style: chr19-40900450-C-T.
Other names: c.3809G>A (NM_181882.2); c.*4014G>A (NM_020956.2); short protein forms R1270H.
Identifiers: ClinVar variation 917235 (VCV000917235.8), dbSNP rs775221457, ClinGen allele CA9443779.
Genomic context (GRCh38, chr19:40,394,543, plus strand): 5'-TCGGCATGGTTGCCCCCGGATGGCGAGAGCTCCACGTCGGGCAGTGAGAGGCAGAAGGTA[C>T]GCTCGGCCCCTGGGGGCTGCTCCTCAGCACCCTCGCCCCCCACCCTAGCTCTGGCCCCCA-3'
Protein context (NP_870998.2, residues 1260-1280): GAEEQPPGAE[Arg1270His]TFCLSLPDVE

ClinVar aggregate classification (germline): Uncertain significance. Review status: criteria provided, multiple submitters, no conflicts (2 of 4 stars). 4 submissions from 4 submitters: Uncertain significance (4). Last evaluated 2025-12-18.

Conditions:
Charcot-Marie-Tooth disease. Also called: Charcot-Marie-Tooth Hereditary Neuropathy; Charcot-Marie-Tooth Neuropathy. Identifiers: Orphanet 166, MedGen C0007959, MONDO:0015626.
Charcot-Marie-Tooth disease type 4. Also called: Charcot-Marie-Tooth, Type 4; Charcot-Marie-Tooth disease, type IV. Identifiers: Orphanet 64749, MedGen C4082197, MONDO:0018995.

Allele frequency attached by ClinVar (database versions not stated): gnomAD exomes 0.00003 and 0.00004; ExAC 0.00005; gnomAD 0.00005; TOPMed 0.00005.
gnomAD v4.1: 49 of 1,604,106 alleles (0.0031%); highest among the groups gnomAD compares: African/African-American, 0.008%; no homozygotes.

Submissions (4):

Women's Health and Genetics/Laboratory Corporation of America, LabCorp
Classification: Uncertain significance. Last evaluated: 2025-12-18. Review status: criteria provided, single submitter. Criteria: LabCorp Variant Classification Summary - May 2015. Collection method: clinical testing. Allele origin: germline.
Comment: Variant summary: PRX c.3809G>A (p.Arg1270His) results in a non-conservative amino acid change in the encoded protein sequence. Algorithms developed to predict the effect of missense changes on protein structure and function are either unavailable or do not agree on the potential impact of this missense change. The variant allele was found at a frequency of 4.4e-05 in 229234 control chromosomes. This frequency is not significantly higher than estimated for disease-causing variants in PRX, allowing no conclusion about variant significance. c.3809G>A has been detected in an individual from a Charcot-Marie-Tooth disease cohort (Volodarsky_2021). This report does not provide unequivocal conclusions about association of the variant with Charcot-Marie-Tooth disease type 4F. To our knowledge, no experimental evidence demonstrating an impact on protein function has been reported. The following publication has been ascertained in the context of this evaluation (PMID: 32376792). ClinVar contains an entry for this variant (Variation ID: 917235). Based on the evidence outlined above, the variant was classified as uncertain significance.

GeneDx
Classification: Uncertain significance. Last evaluated: 2025-06-13. Review status: criteria provided, single submitter. Criteria: GeneDx Variant Classification Process June 2021. Collection method: clinical testing. Allele origin: germline. Affected: yes.
Comment: Reported previously as a variant of uncertain significance in a patient with a suspected diagnosis of Charcot-Marie-Tooth disease; however, clinical and segregation information was not provided (PMID: 32376792); Not observed at significant frequency in large population cohorts (gnomAD); In silico analysis suggests that this missense variant does not alter protein structure/function; This variant is associated with the following publications: (PMID: 32376792)

Labcorp Genetics (formerly Invitae), Labcorp
Classification: Uncertain significance for Charcot-Marie-Tooth disease type 4. Last evaluated: 2022-09-01. Review status: criteria provided, single submitter. Criteria: Invitae Variant Classification Sherloc (09022015). Collection method: clinical testing. Allele origin: germline.
Comment: This sequence change replaces arginine, which is basic and polar, with histidine, which is basic and polar, at codon 1270 of the PRX protein (p.Arg1270His). This variant is present in population databases (rs775221457, gnomAD 0.007%). This missense change has been observed in individual(s) with Charcot-Marie-Tooth disease (PMID: 32376792). ClinVar contains an entry for this variant (Variation ID: 917235). Algorithms developed to predict the effect of missense changes on protein structure and function output the following: SIFT: "Tolerated"; PolyPhen-2: "Possibly Damaging"; Align-GVGD: "Class C0". The histidine amino acid residue is found in multiple mammalian species, which suggests that this missense change does not adversely affect protein function. In summary, the available evidence is currently insufficient to determine the role of this variant in disease. Therefore, it has been classified as a Variant of Uncertain Significance.

Molecular Genetics Laboratory, London Health Sciences Centre
Classification: Uncertain significance for Charcot-Marie-Tooth disease. Review status: criteria provided, single submitter. Criteria: ACMG Guidelines, 2015. Collection method: clinical testing. Allele origin: germline. Affected: yes.

Literature cited by the submitters: PubMed 32376792 (cited by Women's Health and Genetics/Laboratory Corporation of America, LabCorp and Labcorp Genetics (formerly Invitae), Labcorp).